The following is an entry in ClinVar:

ClinVar aggregate classification (germline): Uncertain significance (1 of 4 stars; one submission).

Conditions:
Cohen syndrome (COH1). Also called: PEPPER SYNDROME; Cutis verticis gyrata, retinitis pigmentosa, and sensorineural deafness. Identifiers: Orphanet 193, MedGen C0265223, MONDO:0008999, OMIM 216550.

Allele frequency attached by ClinVar (database versions not stated): gnomAD 0.00001.
gnomAD v4.1: 1 of 1,606,780 alleles (0.000062%); highest among the groups gnomAD compares: African/African-American, 0.0013%; no homozygotes.

Submission:

Labcorp Genetics (formerly Invitae), Labcorp
Classification: Uncertain significance for Cohen syndrome. Last evaluated: 2021-10-07. Review status: criteria provided, single submitter. Criteria: Invitae Variant Classification Sherloc (09022015). Collection method: clinical testing. Allele origin: germline.
Comment: In summary, the available evidence is currently insufficient to determine the role of this variant in disease. Therefore, it has been classified as a Variant of Uncertain Significance. Algorithms developed to predict the effect of sequence changes on RNA splicing suggest that this variant may create or strengthen a splice site. This variant has not been reported in the literature in individuals affected with VPS13B-related conditions. This variant is not present in population databases (ExAC no frequency). This sequence change falls in intron 22 of the VPS13B gene. It does not directly change the encoded amino acid sequence of the VPS13B protein.

NM_152564.5(VPS13B):c.3211-16T>A

Gene: VPS13B (vacuolar protein sorting 13 homolog B; plus strand). Cytogenetic location: 8q22.2.
Variant type: single nucleotide variant.
Coding change: c.3211-16T>A on transcript NM_152564.5 (MANE Select); 16 bases into the intron before coding-DNA position 3211, T replaced by A.
Molecular consequence: intron variant.
Genome position (GRCh38, 1-based): chr8:99,442,385, T>A. VCF-style: chr8-99442385-T-A. GRCh37 (hg19) VCF-style: chr8-100454613-T-A.
Other names: c.3211-16T>A (NM_017890.5).
Identifiers: ClinVar variation 1477106 (VCV001477106.6), dbSNP rs1439444815, ClinGen allele CA584327513.